The following is an entry in ClinVar:

NM_001177316.2(SLC34A3):c.530C>A (p.Ala177Glu)

Gene: SLC34A3 (solute carrier family 34 member 3; plus strand). Cytogenetic location: 9q34.3.
Variant type: single nucleotide variant.
Coding change: c.530C>A on transcript NM_001177316.2 (MANE Select); coding-DNA position 530, C replaced by A.
Protein change: p.Ala177Glu; replaces alanine 177 with glutamic acid.
Molecular consequence: missense variant.
Genome position (GRCh38, 1-based): chr9:137,233,085, C>A. VCF-style: chr9-137233085-C-A. GRCh37 (hg19) VCF-style: chr9-140127537-C-A.
Other names: c.530C>A, p.Ala177Glu (NM_001177317.2, NM_080877.3); short protein forms A177E.
Identifiers: ClinVar variation 1349140 (VCV001349140.8), dbSNP rs771442873, ClinGen allele CA375730407.

ClinVar aggregate classification (germline): Uncertain significance (1 of 4 stars; one submission).

Allele frequency attached by ClinVar (database versions not stated): TOPMed below 0.00001.

Submission:

Labcorp Genetics (formerly Invitae), Labcorp
Classification: Uncertain significance. Last evaluated: 2021-04-27. Review status: criteria provided, single submitter. Criteria: Invitae Variant Classification Sherloc (09022015). Collection method: clinical testing. Allele origin: germline.
Comment: This sequence change replaces alanine with glutamic acid at codon 177 of the SLC34A3 protein (p.Ala177Glu). The alanine residue is highly conserved and there is a moderate physicochemical difference between alanine and glutamic acid. In summary, the available evidence is currently insufficient to determine the role of this variant in disease. Therefore, it has been classified as a Variant of Uncertain Significance. Algorithms developed to predict the effect of missense changes on protein structure and function are either unavailable or do not agree on the potential impact of this missense change (SIFT: "Deleterious"; PolyPhen-2: "Possibly Damaging"; Align-GVGD: "Class C0"). This variant has not been reported in the literature in individuals with SLC34A3-related conditions. This variant is not present in population databases (ExAC no frequency).